The following is an entry in ClinVar:

ClinVar aggregate classification (germline): Uncertain significance (1 of 4 stars; one submission).

Allele frequency attached by ClinVar (database versions not stated): gnomAD exomes below 0.00001; TOPMed below 0.00001; ExAC 0.00001; gnomAD 0.00001.

Submission:

Labcorp Genetics (formerly Invitae), Labcorp
Classification: Uncertain significance. Last evaluated: 2023-04-14. Review status: criteria provided, single submitter. Criteria: Invitae Variant Classification Sherloc (09022015). Collection method: clinical testing. Allele origin: germline.
Comment: In summary, the available evidence is currently insufficient to determine the role of this variant in disease. Therefore, it has been classified as a Variant of Uncertain Significance. An algorithm developed to predict the effect of missense changes on protein structure and function (PolyPhen-2) suggests that this variant is likely to be disruptive. This variant has not been reported in the literature in individuals affected with PSMB4-related conditions. The frequency data for this variant in the population databases is considered unreliable, as metrics indicate poor data quality at this position in the gnomAD database. This sequence change replaces alanine, which is neutral and non-polar, with threonine, which is neutral and polar, at codon 257 of the PSMB4 protein (p.Ala257Thr).

NM_002796.3(PSMB4):c.769G>A (p.Ala257Thr)

Gene: PSMB4 (proteasome 20S subunit beta 4; plus strand). Cytogenetic location: 1q21.3.
Variant type: single nucleotide variant.
Coding change: c.769G>A on transcript NM_002796.3 (MANE Select); coding-DNA position 769, G replaced by A.
Protein change: p.Ala257Thr; replaces alanine 257 with threonine.
Molecular consequence: missense variant.
Genome position (GRCh38, 1-based): chr1:151,401,617, G>A. VCF-style: chr1-151401617-G-A. GRCh37 (hg19) VCF-style: chr1-151374093-G-A.
Other names: short protein forms A257T.
Identifiers: ClinVar variation 2880094 (VCV002880094.3), dbSNP rs1478575688, ClinGen allele CA1090789.